The following is an entry in ClinVar:

NM_006612.6(KIF1C):c.1727C>T (p.Thr576Met)

Genes: KIF1C (kinesin family member 1C; plus strand), KIF1C-AS1 (KIF1C antisense RNA 1; minus strand), LOC126862473 (CDK7 strongly-dependent group 2 enhancer GRCh37_chr17:4923264-4924463; plus strand). Cytogenetic location: 17p13.2.
Variant type: single nucleotide variant.
Coding change: c.1727C>T on transcript NM_006612.6 (MANE Select); coding-DNA position 1727, C replaced by T.
Protein change: p.Thr576Met; replaces threonine 576 with methionine.
Molecular consequence: missense variant. On other transcripts: non-coding transcript variant (1).
Genome position (GRCh38, 1-based): chr17:5,020,056, C>T. VCF-style: chr17-5020056-C-T. GRCh37 (hg19) VCF-style: chr17-4923351-C-T.
Other names: short protein forms T576M.
Identifiers: ClinVar variation 2047420 (VCV002047420.2), dbSNP rs370888080, ClinGen allele CA8319097.

ClinVar aggregate classification (germline): Uncertain significance. Review status: criteria provided, multiple submitters, no conflicts (2 of 4 stars). 2 submissions from 2 submitters: Uncertain significance (2). Last evaluated 2026-10-01.

Conditions:
Spastic ataxia 2. Also called: Ataxia, spastic, 2, autosomal recessive. Identifiers: Orphanet 397946, MedGen C1969796, MONDO:0012651, OMIM 611302.

Allele frequency attached by ClinVar (database versions not stated): gnomAD exomes 0.00003; TOPMed 0.00006; ExAC 0.00008; ESP Exome Variant Server 0.00008; gnomAD 0.00011.

Submissions (2):

CeGaT Center for Human Genetics Tuebingen
Classification: Uncertain significance. Last evaluated: 2026-10-01. Review status: criteria provided, single submitter. Criteria: CeGaT Center For Human Genetics Tuebingen Variant Classification Criteria Version 2. Collection method: clinical testing. Allele origin: germline. Affected: yes. Observed: 1 variant allele.
Comment: KIF1C: PM2

Labcorp Genetics (formerly Invitae), Labcorp
Classification: Uncertain significance for Spastic ataxia 2. Last evaluated: 2022-07-12. Review status: criteria provided, single submitter. Criteria: Invitae Variant Classification Sherloc (09022015). Collection method: clinical testing. Allele origin: germline.
Comment: This sequence change replaces threonine, which is neutral and polar, with methionine, which is neutral and non-polar, at codon 576 of the KIF1C protein (p.Thr576Met). The frequency data for this variant in the population databases is considered unreliable, as metrics indicate poor data quality at this position in the gnomAD database. This variant has not been reported in the literature in individuals affected with KIF1C-related conditions. Algorithms developed to predict the effect of missense changes on protein structure and function output the following: SIFT: "Deleterious"; PolyPhen-2: "Benign"; Align-GVGD: "Class C0". The methionine amino acid residue is found in multiple mammalian species, which suggests that this missense change does not adversely affect protein function. In summary, the available evidence is currently insufficient to determine the role of this variant in disease. Therefore, it has been classified as a Variant of Uncertain Significance.